The following is an entry in ClinVar:

NM_000051.4(ATM):c.6975G>T (p.Ala2325=)

Genes: C11orf65 (chromosome 11 open reading frame 65; minus strand), ATM (ATM serine/threonine kinase; plus strand). Cytogenetic location: 11q22.3.
Variant type: single nucleotide variant.
Coding change: c.6975G>T on transcript NM_000051.4 (MANE Select); coding-DNA position 6975, G replaced by T.
Protein change: p.Ala2325=; no amino-acid change (alanine 2325 retained).
Molecular consequence: synonymous variant. On other transcripts: intron variant (2).
Genome position (GRCh38, 1-based): chr11:108,326,225, G>T. VCF-style: chr11-108326225-G-T. GRCh37 (hg19) VCF-style: chr11-108196952-G-T.
Other names: c.6975G>T, p.Ala2325= (NM_001351834.2); c.641-17154C>A (NM_001330368.2); c.*38+8995C>A (NM_001351110.2).
Identifiers: ClinVar variation 407622 (VCV000407622.12), dbSNP rs556778314, ClinGen allele CA16613476.

ClinVar aggregate classification (germline): Uncertain significance. Review status: criteria provided, multiple submitters, no conflicts (2 of 4 stars). 3 submissions from 3 submitters: Uncertain significance (3). Last evaluated 2025-07-31.

Conditions:
Hereditary cancer-predisposing syndrome. Also called: Neoplastic Syndromes, Hereditary; Hereditary Cancer Syndrome; Tumor predisposition; Hereditary neoplastic syndrome. Identifiers: Orphanet 140162, MedGen C0027672, MeSH D009386, MONDO:0015356.
Ataxia-telangiectasia syndrome (AT). Also called: LOUIS-BAR SYNDROME; Cerebello-oculocutaneous telangiectasia; Immunodeficiency with ataxia telangiectasia; Ataxia-telangiectasia, complementation group D; AT, COMPLEMENTATION GROUP C; Ataxia-telangiectasia, complementation group E. Identifiers: Orphanet 100, MedGen C0004135, MONDO:0008840, OMIM 208900.

gnomAD v4.1: 1 of 1,613,700 alleles (0.000062%); highest among the groups gnomAD compares: Non-Finnish European, 0.000085%; no homozygotes.

Submissions (3):

Women's Health and Genetics/Laboratory Corporation of America, LabCorp
Classification: Uncertain significance. Last evaluated: 2025-07-31. Review status: criteria provided, single submitter. Criteria: LabCorp Variant Classification Summary - May 2015. Collection method: clinical testing. Allele origin: germline.
Comment: Variant summary: ATM c.6975G>T (p.Ala2325Ala) alters a conserved nucleotide located close to a canonical splice site and therefore could affect mRNA splicing, leading to a significantly altered protein sequence. Consensus agreement among computation tools predict no significant impact on normal splicing. However, these predictions have yet to be confirmed by functional studies. The variant was absent in 251310 control chromosomes. The available data on variant occurrences in the general population are insufficient to allow any conclusion about variant significance. To our knowledge, no occurrence of c.6975G>T in individuals affected with ATM-related conditions and no experimental evidence demonstrating its impact on protein function have been reported. ClinVar contains an entry for this variant (Variation ID: 407622). Based on the evidence outlined above, the variant was classified as uncertain significance.

Labcorp Genetics (formerly Invitae), Labcorp
Classification: Uncertain significance for Ataxia-telangiectasia syndrome. Last evaluated: 2024-04-22. Review status: criteria provided, single submitter. Criteria: Invitae Variant Classification Sherloc (09022015). Collection method: clinical testing. Allele origin: germline.
Comment: This sequence change affects codon 2325 of the ATM mRNA. It is a 'silent' change, meaning that it does not change the encoded amino acid sequence of the ATM protein. This variant also falls at the last nucleotide of exon 47, which is part of the consensus splice site for this exon. This variant is not present in population databases (gnomAD no frequency). This variant has not been reported in the literature in individuals affected with ATM-related conditions. ClinVar contains an entry for this variant (Variation ID: 407622). Variants that disrupt the consensus splice site are a relatively common cause of aberrant splicing (PMID: 17576681, 9536098). Algorithms developed to predict the effect of sequence changes on RNA splicing suggest that this variant may disrupt the consensus splice site. In summary, the available evidence is currently insufficient to determine the role of this variant in disease. Therefore, it has been classified as a Variant of Uncertain Significance.

Color Diagnostics, LLC DBA Color Health
Classification: Uncertain significance for Hereditary cancer-predisposing syndrome. Last evaluated: 2018-11-19. Review status: criteria provided, single submitter. Criteria: ACMG Guidelines, 2015. Collection method: clinical testing. Allele origin: germline.

Literature cited by the submitters: PubMed 17576681 (cited by Labcorp Genetics (formerly Invitae), Labcorp); PubMed 9536098 (cited by Labcorp Genetics (formerly Invitae), Labcorp).